The following is an entry in ClinVar:

NM_002528.7(NTHL1):c.792-5C>G

Gene: NTHL1 (nth like DNA glycosylase 1; minus strand). Cytogenetic location: 16p13.3.
Variant type: single nucleotide variant.
Coding change: c.792-5C>G on transcript NM_002528.7 (MANE Select); 5 bases into the intron before coding-DNA position 792, C replaced by G.
Molecular consequence: intron variant.
Genome position (GRCh38, 1-based): chr16:2,040,052, G>C on the plus strand (C>G on the coding strand, the complement: NTHL1 is on the minus strand). VCF-style: chr16-2040052-G-C. GRCh37 (hg19) VCF-style: chr16-2090053-G-C.
Other names: c.462-5C>G (NM_001318194.2); c.621-5C>G (NM_001318193.2).
Identifiers: ClinVar variation 1762243 (VCV001762243.3), dbSNP rs2150937995, ClinGen allele CA2580090510.

ClinVar aggregate classification (germline): Uncertain significance (1 of 4 stars; one submission).

Conditions:
Hereditary cancer-predisposing syndrome. Also called: Tumor predisposition; Hereditary Cancer Syndrome; Hereditary neoplastic syndrome; Neoplastic Syndromes, Hereditary. Identifiers: Orphanet 140162, MedGen C0027672, MeSH D009386, MONDO:0015356.

gnomAD v4.1: 2 of 1,612,564 alleles (0.00012%); highest among the groups gnomAD compares: Non-Finnish European, 0.00017%; no homozygotes.

Submission:

Ambry Genetics
Classification: Uncertain significance for Hereditary cancer-predisposing syndrome. Last evaluated: 2026-02-03. Review status: criteria provided, single submitter. Criteria: Ambry Variant Classification Scheme 2023. Collection method: clinical testing. Allele origin: germline.
Comment: The c.816-5C>G intronic variant results from a C to G substitution 5 nucleotides upstream from coding exon 6 in the NTHL1 gene. This nucleotide position is well conserved in available vertebrate species. In silico splice site analysis predicts that this alteration will not have any significant effect on splicing. Based on the available evidence, the clinical significance of this variant remains unclear.